The following is an entry in ClinVar:

ClinVar aggregate classification (germline): Conflicting classifications of pathogenicity. Review status: criteria provided, conflicting classifications (1 of 4 stars). 3 submissions from 3 submitters: Likely pathogenic (2); Uncertain significance (1). Last evaluated 2025-11-05.

Conditions:
Inborn genetic diseases. Identifiers: MedGen C0950123, MeSH D030342.
3-methylcrotonyl-CoA carboxylase 2 deficiency. Also called: METHYLCROTONYLGLYCINURIA, TYPE II; 3 alpha methylcrotonyl-CoA carboxylase 2 deficiency; 3 alpha methylcrotonylglycinuria 2; MCC 2 deficiency; Methylcrotonylglycinuria type 2. Identifiers: Orphanet 6, MedGen C1859499, MONDO:0008862, OMIM 210210.

Allele frequency attached by ClinVar (database versions not stated): gnomAD 0.00001.
gnomAD v4.1: 29 of 1,537,844 alleles (0.0019%); highest among the groups gnomAD compares: Non-Finnish European, 0.0024%; no homozygotes.

Submissions (3):

Molecular Diagnostics Laboratory, M Health Fairview: University of Minnesota
Classification: Likely pathogenic for 3-methylcrotonyl-CoA carboxylase 2 deficiency. Last evaluated: 2025-11-05. Review status: criteria provided, single submitter. Criteria: ACMG Guidelines, 2015. Collection method: clinical testing. Allele origin: germline. Affected: yes.

Labcorp Genetics (formerly Invitae), Labcorp
Classification: Likely pathogenic for 3-methylcrotonyl-CoA carboxylase 2 deficiency. Last evaluated: 2023-05-08. Review status: criteria provided, single submitter. Criteria: Invitae Variant Classification Sherloc (09022015). Collection method: clinical testing. Allele origin: germline.
Comment: In summary, the currently available evidence indicates that the variant is pathogenic, but additional data are needed to prove that conclusively. Therefore, this variant has been classified as Likely Pathogenic. Advanced modeling of protein sequence and biophysical properties (such as structural, functional, and spatial information, amino acid conservation, physicochemical variation, residue mobility, and thermodynamic stability) performed at Invitae indicates that this missense variant is expected to disrupt MCCC2 protein function. ClinVar contains an entry for this variant (Variation ID: 2150106). This missense change has been observed in individual(s) with 3 Methylcrotonyl-CoA carboxylase deficiency (Invitae). This variant is present in population databases (no rsID available, gnomAD 0.007%). This sequence change replaces tyrosine, which is neutral and polar, with serine, which is neutral and polar, at codon 23 of the MCCC2 protein (p.Tyr23Ser).

Ambry Genetics
Classification: Uncertain significance for Inborn genetic diseases. Last evaluated: 2022-07-13. Review status: criteria provided, single submitter. Criteria: Ambry Variant Classification Scheme 2023. Collection method: clinical testing. Allele origin: germline.

NM_022132.5(MCCC2):c.68A>C (p.Tyr23Ser)

Gene: MCCC2 (methylcrotonyl-CoA carboxylase subunit 2; plus strand). Cytogenetic location: 5q13.2.
Variant type: single nucleotide variant.
Coding change: c.68A>C on transcript NM_022132.5 (MANE Select); coding-DNA position 68, A replaced by C.
Protein change: p.Tyr23Ser; replaces tyrosine 23 with serine.
Molecular consequence: missense variant.
Genome position (GRCh38, 1-based): chr5:71,587,493, A>C. VCF-style: chr5-71587493-A-C. GRCh37 (hg19) VCF-style: chr5-70883320-A-C.
Other names: c.68A>C (NM_022132.4); c.68A>C, p.Tyr23Ser (NM_001363147.1); short protein forms Y23S.
Identifiers: ClinVar variation 2150106 (VCV002150106.6), dbSNP rs1238687077, ClinGen allele CA360001907.